The following continues an entry in ClinVar:

NM_000059.4(BRCA2):c.1813dup (p.Ile605fs)

Gene: BRCA2. ClinVar aggregate classification (germline): Pathogenic. Pathogenic (1). ClinVar aggregate classification (oncogenicity): Oncogenic.

Submissions 19 to 35 of 63:

German Consortium for Hereditary Breast and Ovarian Cancer, University Hospital Cologne
Classification: Pathogenic for Hereditary breast ovarian cancer syndrome. Last evaluated: 2024-11-11. Review status: criteria provided, single submitter. Criteria: ClinGen BRCA2 V1.1.0. Collection method: curation. Allele origin: germline. Not counted in ClinVar's aggregate classification.
Comment: According to the ClinGen ENIGMA BRCA2 v1.1.0 criteria we chose these criteria: PVS1 (very strong pathogenic): see specifications table 4 exon 10: PVS1 and PM5_Stron (PTC), PS4 (strong pathogenic): Dorling 2021 (PMID: 33471991) 20/60,466 breast cancer cases & 1/53,461 controls & PS4 Calculator: OR = 17.69 (95%CI=2.37-131.85), PM3 (medium pathogenic): Wagner 2004 (PMID:15070707): found in trans with pathogenic variant c.7878G>C (p.Trp2626Cys) (Variation ID: 38125, Reviewed by expert panel) --> 2 P Myers 2011 (PMID: 21548014): found wih pathogenic variant c.631+2T>G (Variation ID: 9349, Reviewed by expert panel) --> 1 P ⇒ 3 P, PM5 (strong pathogenic): see specifications table 4 exon 10: PVS1 and PM5_Strong, PP4 (strong pathogenic): s. Combined LR Score = 104.582 (aus dem" ENIGMA BRCA1/BRCA2 specs 1.1.0"-Hub entnommen)

Blueprint Genetics
Classification: Pathogenic for BRCA2-related disorders. Last evaluated: 2024-11-06. Review status: criteria provided, single submitter. Criteria: ACMG Guidelines, 2015. Collection method: clinical testing. Allele origin: germline. Affected: yes. Observed: 5 variant alleles. Not counted in ClinVar's aggregate classification.

All of Us Research Program, National Institutes of Health
Classification: Pathogenic for BRCA2-related cancer predisposition. Last evaluated: 2024-09-02. Review status: criteria provided, single submitter. Criteria: ACMG Guidelines, 2015. Collection method: clinical testing. Allele origin: germline. Inheritance: Autosomal dominant inheritance. Observed: 5 variant alleles, 5 heterozygotes. Not counted in ClinVar's aggregate classification.
Comment: This variant inserts 1 nucleotide in exon 10 of the BRCA2 gene, creating a frameshift and premature translation stop signal. This variant is also known as 2034insA, 2040insA, 2041insA, 2041dupA, 2041_2042insA, c.1813insA and c.1806dupA in the literature. This variant is expected to result in an absent or non-functional protein product. This variant has been reported in a breast cancer case-control meta-analysis in 20 cases and 1 unaffected control, which is estimated to have an odds ratio for pathogenicity of OR=17.689 (95%CI 2.374 to 131.809; p-value<0.001) (PMID: 33471991; Leiden Open Variation Database DB-ID BRCA2_001802) and also has been reported in individuals affected with breast, ovarian, pancreatic, prostate and neuroendocrine cancers (PMID: 9150150, 9667259, 18042939, 20104584, 21324516, 21952622, 22729890, 25072261, 28724667, 29433453) and suspected hereditary breast and ovarian cancer families (PMID: 11802209, 21232165, 24156927). In one family, this variant was reported in 11 women affected with breast cancer across three generations (PMID: 9150150). This variant also has been detected in two compound heterozygous individuals with a second pathogenic BRCA2 mutation who exhibited clinical features consistent with Fanconi anemia (PMID: 15070707, 21548014). Haplotype analysis suggests that this variant may be a founder mutation and is common in people of German ancestry (PMID: 9585613, 23199084). This variant has been identified in 3/232106 chromosomes in the general population by the Genome Aggregation Database (gnomAD). Loss of BRCA2 function is a known mechanism of disease. Based on the available evidence, this variant is classified as Pathogenic.

This study involves interpretation of variants in research participants for the purpose of population health screening. Participant phenotype was not available at the time of variant classification. Additional details can be found in publication PMID: 35346344, PMCID: PMC8962531

Mayo Clinic Laboratories, Mayo Clinic
Classification: Pathogenic. Last evaluated: 2024-08-12. Review status: criteria provided, single submitter. Criteria: ACMG Guidelines, 2015. Collection method: clinical testing. Allele origin: germline. Not counted in ClinVar's aggregate classification.
Comment: PM3_strong, PM5_strong, PVS1

Department of Human Genetics, Hannover Medical School
Classification: Pathogenic for Breast-ovarian cancer, familial, susceptibility to, 2. Last evaluated: 2024-08-05. Review status: criteria provided, single submitter. Criteria: ACMG Guidelines, 2015. Collection method: clinical testing. Allele origin: germline. Inheritance: Autosomal dominant inheritance. Affected: yes. Not counted in ClinVar's aggregate classification.

Institute of Human Genetics, University of Leipzig Medical Center
Classification: Pathogenic for Breast-ovarian cancer, familial, susceptibility to, 1. Last evaluated: 2024-04-22. Review status: criteria provided, single submitter. Criteria: ACMG Guidelines, 2015. Collection method: clinical testing. Allele origin: unknown. Inheritance: Autosomal dominant inheritance. Affected: yes. Not counted in ClinVar's aggregate classification.
Comment: Criteria applied: PVS1,PS4,PM5_STR

Fulgent Genetics
Classification: Pathogenic for Familial cancer of breast; Medulloblastoma; Familial prostate cancer; Wilms tumor 1; Fanconi anemia complementation group D1; Breast-ovarian cancer, familial, susceptibility to, 2; Glioma susceptibility 3; Pancreatic cancer, susceptibility to, 2. Last evaluated: 2024-03-11. Review status: criteria provided, single submitter. Criteria: ACMG Guidelines, 2015. Collection method: clinical testing. Allele origin: germline. Not counted in ClinVar's aggregate classification.

Baylor Genetics
Classification: Pathogenic for Familial cancer of breast. Last evaluated: 2024-03-05. Review status: criteria provided, single submitter. Criteria: ACMG Guidelines, 2015. Collection method: clinical testing. Allele origin: unknown. Not counted in ClinVar's aggregate classification.

Greenwood Genetic Center Diagnostic Laboratories, Greenwood Genetic Center
Classification: Pathogenic for Breast-ovarian cancer, familial, susceptibility to, 2. Last evaluated: 2023-09-27. Review status: criteria provided, single submitter. Criteria: ACMG Guidelines, 2015. Collection method: clinical testing. Allele origin: germline. Not counted in ClinVar's aggregate classification.
Comment: PVS1, PM2, PS4

Institute of Human Genetics, FAU Erlangen, Friedrich-Alexander-Universität Erlangen-Nürnberg
Classification: Pathogenic. Last evaluated: 2023-09-20. Review status: criteria provided, single submitter. Criteria: Hauer et al. (Genet Med. 2018). Collection method: clinical testing. Allele origin: germline. Inheritance: Unknown mechanism. Affected: yes. Observed: 1 variant allele. Not counted in ClinVar's aggregate classification.
Comment: This variant has been identified by standard clinical testing. Breast-ovarian cancer, familial, susceptibility to, 2

Revvity Omics, Revvity
Classification: Pathogenic. Last evaluated: 2023-07-26. Review status: criteria provided, single submitter. Criteria: ACMG Guidelines, 2015. Collection method: clinical testing. Allele origin: germline. Not counted in ClinVar's aggregate classification.

CHEO Genetics Diagnostic Laboratory, Children's Hospital of Eastern Ontario
Classification: Pathogenic for Breast and/or ovarian cancer. Last evaluated: 2023-06-23. Review status: criteria provided, single submitter. Criteria: ACMG Guidelines, 2015. Collection method: clinical testing. Allele origin: germline. Study: Canadian Open Genetics Repository. Not counted in ClinVar's aggregate classification.

Quest Diagnostics Nichols Institute San Juan Capistrano
Classification: Pathogenic. Last evaluated: 2023-05-18. Review status: criteria provided, single submitter. Criteria: Quest Diagnostics criteria. Collection method: clinical testing. Allele origin: unknown. Not counted in ClinVar's aggregate classification.
Comment: The BRCA2 c.1813dup (p.Ile605Asnfs*11) variant alters the translational reading frame of the BRCA2 mRNA and causes the premature termination of BRCA2 protein synthesis. This variant has been reported in the published literature in affected individuals with breast and/or ovarian cancer (PMIDs: 9150150 (1997), 21324516 (2011), 22729890 (2012), 28324225 (2017), 30257646 (2018), and 36169650 (2022)). In a large scale breast cancer association study, it was found in individuals with breast cancer as well as a control (PMID: 33471991 (2021), see also LOVD). It has also been reported in individuals with prostate cancer (PMIDs: 29433453 (2018) and 32606146 (2020)). Based on the available information, this variant is classified as pathogenic.

Clinical Genetics Laboratory, Skane University Hospital Lund
Classification: Pathogenic. Last evaluated: 2022-05-27. Review status: criteria provided, single submitter. Criteria: ACMG Guidelines, 2015. Collection method: clinical testing. Allele origin: germline. Affected: yes. Not counted in ClinVar's aggregate classification.

MGZ Medical Genetics Center
Classification: Pathogenic for Breast-ovarian cancer, familial, susceptibility to, 2. Last evaluated: 2022-05-02. Review status: criteria provided, single submitter. Criteria: ACMG Guidelines, 2015. Collection method: clinical testing. Allele origin: germline. Affected: yes. Observed: 7 variant alleles. Not counted in ClinVar's aggregate classification.
Comment: ACMG criteria applied: PVS1, PP1_STR, PS4_MOD, PM2_SUP, PM3_SUP

Sema4
Classification: Pathogenic for Hereditary cancer-predisposing syndrome. Last evaluated: 2021-12-21. Review status: criteria provided, single submitter. Criteria: Sema4 Curation Guidelines. Collection method: curation. Allele origin: germline. Not counted in ClinVar's aggregate classification.
Comment: The BRCA2 c.1813dupA (p.I605NfsX11) variant has been reported in heterozygosity in numerous individuals with breast, ovarian, pancreatic, or prostate cancer (PMID: 21324516, 28324225, 28726808, 29446198, 21952622). It is also known as 2041insA and 2034insA in the literature. This variant is a well-established pathogenic variant associated with hereditary breast and ovarian cancer (PMID: 29446198). The variant causes a frameshift at amino acid 605 that results in premature termination 11 amino acids downstream, which is predicted cause nonsense-mediated decay and loss of function. Loss of function variants in BRCA2 are known to be pathogenic (PMID: 29446198). It was observed in 3/232106 chromosomes across all populations in the large and broad cohorts of the Genome Aggregation Database (PMID: 32461654) and has been reported in ClinVar (Variation ID: 37762). Based on the current evidence available, this variant is interpreted as pathogenic.

Institute of Medical Genetics and Applied Genomics, University Hospital Tübingen
Classification: Pathogenic. Last evaluated: 2020-10-23. Review status: criteria provided, single submitter. Criteria: ACMG Guidelines, 2015. Collection method: clinical testing. Allele origin: germline. Inheritance: Unknown mechanism. Affected: yes. Not counted in ClinVar's aggregate classification.